The following is an entry in ClinVar:

ClinVar aggregate classification (germline): Conflicting classifications of pathogenicity. Review status: criteria provided, conflicting classifications (1 of 4 stars). 3 submissions from 3 submitters: Uncertain significance (2); Likely benign (1). Last evaluated 2025-12-12.

Conditions:
Inborn genetic diseases. Identifiers: MedGen C0950123, MeSH D030342.

Allele frequency attached by ClinVar (database versions not stated): TOPMed 0.00001.
gnomAD v4.1: 26 of 1,613,948 alleles (0.0016%); highest among the groups gnomAD compares: Middle Eastern, 0.23%; no homozygotes.

Submissions (3):

Labcorp Genetics (formerly Invitae), Labcorp
Classification: Likely benign. Last evaluated: 2025-12-12. Review status: criteria provided, single submitter. Criteria: Invitae Variant Classification Sherloc (09022015). Collection method: clinical testing. Allele origin: germline.

Ambry Genetics
Classification: Uncertain significance for Inborn genetic diseases. Last evaluated: 2025-10-15. Review status: criteria provided, single submitter. Criteria: Ambry Variant Classification Scheme 2023. Collection method: clinical testing. Allele origin: germline.

CeGaT Center for Human Genetics Tuebingen
Classification: Uncertain significance. Last evaluated: 2024-11-01. Review status: criteria provided, single submitter. Criteria: CeGaT Center For Human Genetics Tuebingen Variant Classification Criteria Version 2. Collection method: clinical testing. Allele origin: germline. Affected: yes. Observed: 1 variant allele.
Comment: NBAS: PM2

NM_015909.4(NBAS):c.1507G>C (p.Ala503Pro)

Gene: NBAS (NBAS subunit of NRZ tethering complex; minus strand). Cytogenetic location: 2p24.3.
Variant type: single nucleotide variant.
Coding change: c.1507G>C on transcript NM_015909.4 (MANE Select); coding-DNA position 1507, G replaced by C.
Protein change: p.Ala503Pro; replaces alanine 503 with proline.
Molecular consequence: missense variant. On other transcripts: non-coding transcript variant (1).
Genome position (GRCh38, 1-based): chr2:15,474,159, C>G on the plus strand (G>C on the coding strand, the complement: NBAS is on the minus strand). VCF-style: chr2-15474159-C-G. GRCh37 (hg19) VCF-style: chr2-15614283-C-G.
Other names: c.1507G>C (NM_015909.2); short protein forms A503P.
Identifiers: ClinVar variation 1417072 (VCV001417072.20), dbSNP rs773602193, ClinGen allele CA1536666.
Genomic context (GRCh38, chr2:15,474,159, plus strand): 5'-AGCGCAAACTCACAAGGCGGTAGTTTTTAGTAATGGTTCGTGGGCGTTTCCGTGGTGGTG[C>G]AAATCGCTCCATTTCAGTCACCAAGTAAAGGCCCTGTTTTATATAACCAAAGTAGCGAGC-3'
Protein context (NP_056993.2, residues 493-513): LYLVTEMERF[Ala503Pro]PPRKRPRTIT